The following is an entry in ClinVar:

ClinVar aggregate classification (germline): Uncertain significance (1 of 4 stars; one submission).

gnomAD v4.1: 9 of 1,613,656 alleles (0.00056%); highest among the groups gnomAD compares: Non-Finnish European, 0.00076%; no homozygotes.

Submission:

Women's Health and Genetics/Laboratory Corporation of America, LabCorp
Classification: Uncertain significance. Last evaluated: 2026-02-27. Review status: criteria provided, single submitter. Criteria: LabCorp Variant Classification Summary - May 2015. Collection method: clinical testing. Allele origin: germline.
Comment: Variant summary: VWA3B c.217A>T (p.Arg73X) results in a premature termination codon, predicted to cause a truncation of the encoded protein or absence of the protein due to nonsense mediated decay, however current evidence is not sufficient to establish loss of function as a mechanism for disease. The variant was absent in 249366 control chromosomes. The available data on variant occurrences in the general population are insufficient to allow any conclusion about variant significance. To our knowledge, no occurrence of c.217A>T in individuals affected with VWA3B-related conditions and no experimental evidence demonstrating its impact on protein function have been reported. No submitters have cited clinical-significance assessments for this variant to ClinVar. Based on the evidence outlined above, the variant was classified as uncertain significance.

NM_144992.5(VWA3B):c.217A>T (p.Arg73Ter)

Gene: VWA3B (von Willebrand factor A domain containing 3B; plus strand). Cytogenetic location: 2q11.2.
Variant type: single nucleotide variant.
Coding change: c.217A>T on transcript NM_144992.5 (MANE Select); coding-DNA position 217, A replaced by T.
Protein change: p.Arg73Ter; replaces arginine 73 with a stop codon.
Molecular consequence: nonsense. On other transcripts: non-coding transcript variant (3).
Genome position (GRCh38, 1-based): chr2:98,115,672, A>T. VCF-style: chr2-98115672-A-T. GRCh37 (hg19) VCF-style: chr2-98732135-A-T.
Other names: short protein forms R73*.
Identifiers: ClinVar variation 4848188 (VCV004848188.1).